The following is an entry in ClinVar:

ClinVar aggregate classification (germline): Uncertain significance (1 of 4 stars; one submission).

Conditions:
Hypospadias 2, X-linked (HYSP2). Identifiers: Orphanet 440, MedGen C2677879, MONDO:0010423, OMIM 300758.

Submission:

Juno Genomics, Hangzhou Juno Genomics, Inc
Classification: Uncertain significance for Hypospadias 2, X-linked. Review status: criteria provided, single submitter. Criteria: ACMG Guidelines, 2015. Collection method: clinical testing. Allele origin: germline. Affected: yes.
Comment: Absent from controls (or at extremely low frequency if recessive) in Genome Aggregation Database, Exome Sequencing Project, 1000 Genomes Project, or Exome Aggregation Consortium.;Protein length changes due to in-frame deletions/insertions in a non-repeat region or stop-loss variants.

NM_005491.5(MAMLD1):c.1479_1487dup (p.Gln502_Ala503insGlnGlnGln)

Gene: MAMLD1 (mastermind like domain containing 1; plus strand). Cytogenetic location: Xq28.
Variant type: Duplication.
Coding change: c.1479_1487dup on transcript NM_005491.5 (MANE Select); coding-DNA positions 1479 to 1487, 9 bases duplicated (ACAGCAGCA; older notation c.1479_1487dupACAGCAGCA).
Protein change: p.Gln502_Ala503insGlnGlnGln.
Molecular consequence: inframe insertion.
Genome position (GRCh38, 1-based): chrX:150,471,052-150,471,060, ACAGCAGCA duplicated; duplicating any 9 consecutive bases within chrX:150,471,047-150,471,060 gives the same sequence; the c. name uses the placement nearest the transcript's 3' end. VCF-style (leftmost placement, unchanged base first): chrX-150471046-C-CCAGCAACAG. GRCh37 (hg19) VCF-style: chrX-149639318-C-CCAGCAACAG.
Other names: c.1404_1412dup, p.Gln477_Ala478insGlnGlnGln (NM_001177465.3, NM_001177466.3, NM_001400514.1); c.1479_1487dup, p.Gln502_Ala503insGlnGlnGln (NM_001400512.1, NM_001400513.1, NM_001400515.1).
Identifiers: ClinVar variation 3382067 (VCV003382067.2).
Genomic context (GRCh38, chrX:150,471,046, plus strand): 5'-GTCCTTCACCCCACAGTGTTCCCTGATCCGAAGCCTCACTCCCACCAGTAATCTTCTAAG[C>CCAGCAACAG]CAGCAACAGCAGCAGCAGCAGCAGCAGCAGCAAGCAAATGTGATCTTTAAGCCCATAAGC-3'